The following is an entry in ClinVar:

NM_000143.4(FH):c.33G>T (p.Ser11=)

Gene: FH (fumarate hydratase; minus strand). Cytogenetic location: 1q43.
Variant type: single nucleotide variant.
Coding change: c.33G>T on transcript NM_000143.4 (MANE Select); coding-DNA position 33, G replaced by T.
Protein change: p.Ser11=; no amino-acid change (serine 11 retained).
Molecular consequence: synonymous variant.
Genome position (GRCh38, 1-based): chr1:241,519,690, C>A on the plus strand (G>T on the coding strand, the complement: FH is on the minus strand). VCF-style: chr1-241519690-C-A. GRCh37 (hg19) VCF-style: chr1-241682990-C-A.
Identifiers: ClinVar variation 1079968 (VCV001079968.12), dbSNP rs200542051, ClinGen allele CA424076861.
Genomic context (GRCh38, chr1:241,519,690, plus strand): 5'-CGCGCCACCCAAGCCGGGAGCCGAAGCTAAGGCTGCGGCTGGAGCCCGCACGAGGGGACG[C>A]GAGCGCGCGAGGAGCCGAAGTGCTCGGTACATGGTGCTGAGGGAGCTTGGGTAGAATTTC-3'
Protein context (NP_000134.2, residues 1-21): MYRALRLLAR[Ser11=]RPLVRAPAAA

ClinVar aggregate classification (germline): Benign/Likely benign. Review status: criteria provided, multiple submitters, no conflicts (2 of 4 stars). 4 submissions from 4 submitters: Benign (1); Likely benign (3). Last evaluated 2025-11-06.

Conditions:
Hereditary leiomyomatosis and renal cell cancer. Also called: Reed syndrome; Multiple cutaneous and uterine leiomyomatosis; Cutaneous leiomyomata with uterine leiomyomata; Leiomyoma, hereditary multiple, of skin; Multiple cutaneous and uterine leiomyomata; Multiple cutaneous leiomyomas. Identifiers: Orphanet 523, MedGen C1708350, MONDO:0007888, OMIM 150800, HP:0007437. Disease mechanism: loss of function.
Hereditary cancer-predisposing syndrome. Also called: Neoplastic Syndromes, Hereditary; Hereditary Cancer Syndrome; Hereditary neoplastic syndrome; Tumor predisposition. Identifiers: Orphanet 140162, MedGen C0027672, MeSH D009386, MONDO:0015356.

gnomAD v4.1: 1 of 1,546,912 alleles (0.000065%); highest among the groups gnomAD compares: South Asian, 0.0012%; no homozygotes.

Submissions (4):

Quest Diagnostics Nichols Institute San Juan Capistrano
Classification: Likely benign. Last evaluated: 2025-11-06. Review status: criteria provided, single submitter. Criteria: Quest Diagnostics criteria. Collection method: clinical testing. Allele origin: unknown.

Myriad Genetics, Inc.
Classification: Benign for Hereditary leiomyomatosis and renal cell cancer. Last evaluated: 2024-10-17. Review status: criteria provided, single submitter. Criteria: Myriad Autosomal Dominant, Autosomal Recessive and X-Linked Classification Criteria (2023). Collection method: clinical testing. Allele origin: unknown.
Comment: This variant is considered benign. This variant is a silent/synonymous amino acid change and it is not expected to impact splicing.

Labcorp Genetics (formerly Invitae), Labcorp
Classification: Likely benign. Last evaluated: 2024-04-08. Review status: criteria provided, single submitter. Criteria: Invitae Variant Classification Sherloc (09022015). Collection method: clinical testing. Allele origin: germline.

Ambry Genetics
Classification: Likely benign for Hereditary cancer-predisposing syndrome. Last evaluated: 2020-02-12. Review status: criteria provided, single submitter. Criteria: Ambry Variant Classification Scheme 2023. Collection method: clinical testing. Allele origin: germline.